The following is an entry in ClinVar:

NM_001163278.2(TENM1):c.3034-11_3034-8del

Gene: TENM1 (teneurin transmembrane protein 1; minus strand). Cytogenetic location: Xq25.
Variant type: Deletion.
Coding change: c.3034-11_3034-8del on transcript NM_001163278.2 (MANE Select); 11 bases into the intron before coding-DNA position 3034 through 8 bases into the intron before coding-DNA position 3034, 4 bases deleted (TTTT; older notation c.3034-11_3034-8delTTTT).
Molecular consequence: intron variant.
Genome position (GRCh38, 1-based): chrX:124,520,792-124,520,795, AAAA deleted on the plus strand (TTTT on the coding strand, the reverse complement: TENM1 is on the minus strand); deleting any 4 consecutive bases within chrX:124,520,792-124,520,808 gives the same sequence; the c. name uses the placement nearest the transcript's 3' end. VCF-style (leftmost placement, unchanged base first): chrX-124520791-TAAAA-T. GRCh37 (hg19) VCF-style: chrX-123654641-TAAAA-T.
Other names: NC_000023.10:g.123654655_123654658del; c.3034-11_3034-8del (NM_014253.3); c.3031-11_3031-8del (NM_001163279.1); c.3034-24_3034-21del (NM_001163278.2).
Identifiers: ClinVar variation 3055469 (VCV003055469.3), dbSNP rs112813437, ClinGen allele CA10510032.

ClinVar aggregate classification (germline): Benign (0 of 4 stars; one submission).

Conditions:
TENM1-related disorder. Also called: TENM1-related condition.

Submissions (2):

PreventionGenetics, part of Exact Sciences
Classification: Benign for TENM1-related condition. Last evaluated: 2020-01-16. Review status: no assertion criteria provided. Collection method: clinical testing. Allele origin: germline.
Comment: This variant is classified as benign based on ACMG/AMP sequence variant interpretation guidelines (Richards et al. 2015 PMID: 25741868, with internal and published modifications).

Dr. Peter K. Rogan Lab, Western University
No classification provided (evidence only). Condition: Lung cancer. Review status: no classification provided. Collection method: in vitro. Allele origin: not applicable. Functional consequence: retained intron. Not counted in ClinVar's aggregate classification.